The following is an entry in ClinVar:

ClinVar aggregate classification (germline): Uncertain significance. Review status: criteria provided, multiple submitters, no conflicts (2 of 4 stars). 2 submissions from 2 submitters: Uncertain significance (2). Last evaluated 2024-08-19.

Conditions:
Inborn genetic diseases. Identifiers: MedGen C0950123, MeSH D030342.

Allele frequency attached by ClinVar (database versions not stated): TOPMed 0.00001; gnomAD 0.00003.
gnomAD v4.1: 10 of 1,614,048 alleles (0.00062%); highest among the groups gnomAD compares: East Asian, 0.011%; no homozygotes.

Submissions (2):

Ambry Genetics
Classification: Uncertain significance for Inborn genetic diseases. Last evaluated: 2024-08-19. Review status: criteria provided, single submitter. Criteria: Ambry Variant Classification Scheme 2023. Collection method: clinical testing. Allele origin: germline.

Labcorp Genetics (formerly Invitae), Labcorp
Classification: Uncertain significance. Last evaluated: 2023-11-27. Review status: criteria provided, single submitter. Criteria: Invitae Variant Classification Sherloc (09022015). Collection method: clinical testing. Allele origin: germline.
Comment: This sequence change replaces alanine, which is neutral and non-polar, with valine, which is neutral and non-polar, at codon 637 of the TRAPPC12 protein (p.Ala637Val). This variant is present in population databases (rs763918899, gnomAD 0.02%). This variant has not been reported in the literature in individuals affected with TRAPPC12-related conditions. ClinVar contains an entry for this variant (Variation ID: 2183453). Advanced modeling of protein sequence and biophysical properties (such as structural, functional, and spatial information, amino acid conservation, physicochemical variation, residue mobility, and thermodynamic stability) performed at Invitae indicates that this missense variant is not expected to disrupt TRAPPC12 protein function with a negative predictive value of 80%. In summary, the available evidence is currently insufficient to determine the role of this variant in disease. Therefore, it has been classified as a Variant of Uncertain Significance.

NM_016030.6(TRAPPC12):c.1910C>T (p.Ala637Val)

Genes: TRAPPC12 (trafficking protein particle complex subunit 12; plus strand), TRAPPC12-AS1 (TRAPPC12 antisense RNA 1; minus strand). Cytogenetic location: 2p25.3.
Variant type: single nucleotide variant.
Coding change: c.1910C>T on transcript NM_016030.6 (MANE Select); coding-DNA position 1910, C replaced by T.
Protein change: p.Ala637Val; replaces alanine 637 with valine.
Molecular consequence: missense variant. On other transcripts: non-coding transcript variant (1).
Genome position (GRCh38, 1-based): chr2:3,478,878, C>T. VCF-style: chr2-3478878-C-T. GRCh37 (hg19) VCF-style: chr2-3482649-C-T.
Other names: c.1910C>T, p.Ala637Val (NM_001321102.2); c.1910C>T (NM_016030.5); short protein forms A637V.
Identifiers: ClinVar variation 2183453 (VCV002183453.4), dbSNP rs763918899, ClinGen allele CA1515719.
Genomic context (GRCh38, chr2:3,478,878, plus strand): 5'-CTAACTGCCACCGTTGCTTGTGTTACAGCGCGTTCCTTCACCTCGGGCAGAATAACTTTG[C>T]AGAAGCCCACAGGTTCTTCACAGAGATCTTAAGGATGGATCCAAGAAACGCAGTGGTAAG-3'
Protein context (NP_057114.5, residues 627-647): AFLHLGQNNF[Ala637Val]EAHRFFTEIL